The following is an entry in ClinVar:

NM_000535.7(PMS2):c.904-11A>G

Gene: PMS2 (PMS1 homolog 2, mismatch repair system component; minus strand). Cytogenetic location: 7p22.1.
Variant type: single nucleotide variant.
Coding change: c.904-11A>G on transcript NM_000535.7 (MANE Select); 11 bases into the intron before coding-DNA position 904, A replaced by G.
Molecular consequence: intron variant.
Genome position (GRCh38, 1-based): chr7:5,992,068, T>C on the plus strand (A>G on the coding strand, the complement: PMS2 is on the minus strand). VCF-style: chr7-5992068-T-C. GRCh37 (hg19) VCF-style: chr7-6031699-T-C.
Other names: c.586-11A>G (NM_001322008.2, NM_001322007.2); c.499-11A>G (NM_001322010.2, NM_001322004.2, NM_001322003.2 and 2 more transcripts); c.331-11A>G (NM_001322013.2); c.-30-11A>G (NM_001322012.2, NM_001322011.2); c.595-11A>G (NM_001322015.2); c.904-11A>G (NM_001322006.2, NM_001322014.2).
Identifiers: ClinVar variation 630210 (VCV000630210.14), dbSNP rs748113698, ClinGen allele CA052350.

ClinVar aggregate classification (germline): Likely benign. Review status: criteria provided, multiple submitters, no conflicts (2 of 4 stars). 4 submissions from 4 submitters: Likely benign (4). Last evaluated 2025-12-03.

Conditions:
Lynch syndrome 4 (LYNCH4). Also called: Colorectal cancer, hereditary nonpolyposis, type 4; Hereditary non-polyposis colorectal cancer, type 4. Identifiers: Orphanet 144, MedGen C1838333, MONDO:0013699, OMIM 614337. Disease mechanism: loss of function.
Hereditary nonpolyposis colorectal neoplasms. Identifiers: MedGen C0009405, MeSH D003123.
Lynch syndrome. Identifiers: Orphanet 144, MedGen C4552100, MONDO:0005835. Disease mechanism: loss of function.
Hereditary cancer-predisposing syndrome. Also called: Neoplastic Syndromes, Hereditary; Tumor predisposition; Hereditary neoplastic syndrome; Hereditary Cancer Syndrome. Identifiers: Orphanet 140162, MedGen C0027672, MeSH D009386, MONDO:0015356.

Allele frequency attached by ClinVar (database versions not stated): TOPMed below 0.00001; gnomAD exomes 0.00001; ExAC 0.00002.
gnomAD v4.1: 10 of 1,411,854 alleles (0.00071%); highest among the groups gnomAD compares: South Asian, 0.0058%; no homozygotes.

Submissions (4):

Labcorp Genetics (formerly Invitae), Labcorp
Classification: Likely benign for Hereditary nonpolyposis colorectal neoplasms. Last evaluated: 2025-12-03. Review status: criteria provided, single submitter. Criteria: Invitae Variant Classification Sherloc (09022015). Collection method: clinical testing. Allele origin: germline.

Myriad Genetics, Inc.
Classification: Likely benign for Lynch syndrome 4. Last evaluated: 2025-01-29. Review status: criteria provided, single submitter. Criteria: Myriad Autosomal Dominant, Autosomal Recessive and X-Linked Classification Criteria (2023). Collection method: clinical testing. Allele origin: unknown.
Comment: This variant is considered likely benign. This variant is intronic and is not expected to impact mRNA splicing.

All of Us Research Program, National Institutes of Health
Classification: Likely benign for Lynch syndrome. Last evaluated: 2024-07-29. Review status: criteria provided, single submitter. Criteria: ACMG Guidelines, 2015. Collection method: clinical testing. Allele origin: germline. Inheritance: Autosomal dominant inheritance. Observed: 2 variant alleles, 2 heterozygotes.
Comment: This study involves interpretation of variants in research participants for the purpose of population health screening. Participant phenotype was not available at the time of variant classification. Additional details can be found in publication PMID: 35346344, PMCID: PMC8962531

Color Diagnostics, LLC DBA Color Health
Classification: Likely benign for Hereditary cancer-predisposing syndrome. Last evaluated: 2021-03-19. Review status: criteria provided, single submitter. Criteria: ACMG Guidelines, 2015. Collection method: clinical testing. Allele origin: germline.